The following is an entry in ClinVar:

ClinVar aggregate classification (germline): Uncertain significance (1 of 4 stars; one submission).

Conditions:
Neuropathy, hereditary sensory and autonomic, type 2A (HSAN2A). Also called: ACROOSTEOLYSIS, GIACCAI TYPE; ACROOSTEOLYSIS, NEUROGENIC; WNK1-Related HSAN2 (HSAN2A); MORVAN DISEASE; NEUROPATHY, CONGENITAL SENSORY; NEUROPATHY, HEREDITARY SENSORY RADICULAR, AUTOSOMAL RECESSIVE. Identifiers: Orphanet 970, MedGen C2752089, MONDO:0024309, OMIM 201300.
Generalized epilepsy with febrile seizures plus, type 7 (GEFSP7). Also called: GEFS+, TYPE 7. Identifiers: Orphanet 36387, MedGen C2751778, MONDO:0013470, OMIM 613863.

Submission:

Labcorp Genetics (formerly Invitae), Labcorp
Classification: Uncertain significance for Neuropathy, hereditary sensory and autonomic, type 2A; Generalized epilepsy with febrile seizures plus, type 7. Last evaluated: 2024-12-31. Review status: criteria provided, single submitter. Criteria: Invitae Variant Classification Sherloc (09022015). Collection method: clinical testing. Allele origin: germline.
Comment: This sequence change replaces serine, which is neutral and polar, with glycine, which is neutral and non-polar, at codon 802 of the SCN9A protein (p.Ser802Gly). Information on the frequency of this variant in the gnomAD database is not available, as this variant may be reported differently in the database. This missense change has been observed in individual(s) with clinical features of SCN9A-related conditions (PMID: 29176367, 37234784). Experimental studies and prediction algorithms are not available or were not evaluated, and the functional significance of this variant is currently unknown. In summary, the available evidence is currently insufficient to determine the role of this variant in disease. Therefore, it has been classified as a Variant of Uncertain Significance.

Literature cited by the submitters: PubMed 29176367; PubMed 37234784.

NM_001365536.1(SCN9A):c.2436_2437inv (p.Ser813Gly)

Genes: SCN9A (sodium voltage-gated channel alpha subunit 9; minus strand), SCN1A-AS1 (SCN1A and SCN9A antisense RNA 1; plus strand). Cytogenetic location: 2q24.3.
Variant type: Inversion.
Coding change: c.2436_2437inv on transcript NM_001365536.1 (MANE Select).
Protein change: p.Ser813Gly; replaces serine 813 with glycine.
Molecular consequence: missense variant.
Genome position: GRCh38 VCF-style: chr2-166278220-TG-CA. GRCh37 (hg19) VCF-style: chr2-167134730-TG-CA.
Other names: c.2403_2404inv, p.Ser802Gly (NM_002977.4); short protein forms S802G, S813G.
Identifiers: ClinVar variation 3760054 (VCV003760054.2).